The following is an entry in ClinVar:

NM_002850.4(PTPRS):c.4926C>T (p.His1642=)

Gene: PTPRS (protein tyrosine phosphatase receptor type S; minus strand). Cytogenetic location: 19p13.3.
Variant type: single nucleotide variant.
Coding change: c.4926C>T on transcript NM_002850.4 (MANE Select); coding-DNA position 4926, C replaced by T.
Protein change: p.His1642=; no amino-acid change (histidine 1642 retained).
Molecular consequence: synonymous variant.
Genome position (GRCh38, 1-based): chr19:5,212,094, G>A on the plus strand (C>T on the coding strand, the complement: PTPRS is on the minus strand). VCF-style: chr19-5212094-G-A. GRCh37 (hg19) VCF-style: chr19-5212105-G-A.
Other names: c.3585C>T, p.His1195= (NM_130853.3); c.4812C>T, p.His1604= (NM_130854.3); c.3597C>T, p.His1199= (NM_130855.3).
Identifiers: ClinVar variation 782616 (VCV000782616.6), dbSNP rs61729774, ClinGen allele CA9108941.
Genomic context (GRCh38, chr19:5,212,094, plus strand): 5'-ATAGAGGCTGCGTGCGGGCACTTCTGTGTTGCCACAGCCCACGGCCTCCAGCAGGGCCTC[G>A]TGGATGAAGCTGTACTGGTCCTCCGTCTGCACCATGTAGTTGCGCTGGGACCTCATGAGC-3'
Protein context (NP_002841.3, residues 1632-1652): VQTEDQYSFI[His1642=]EALLEAVGCG

ClinVar aggregate classification (germline): Benign. Review status: criteria provided, multiple submitters, no conflicts (2 of 4 stars). 3 submissions from 3 submitters: Benign (2). 1 of the submissions does not count toward it. Last evaluated 2018-10-24.

Conditions:
PTPRS-related disorder. Also called: PTPRS-related condition.

Allele frequency attached by ClinVar (database versions not stated): gnomAD exomes 0.00164 and 0.00434; TOPMed 0.01986; ExAC 0.00561; gnomAD 0.01730 and 0.01860; 1000 Genomes Project 30x 0.01827; 1000 Genomes Project 0.01657; ESP Exome Variant Server 0.02099.
gnomAD v4.1: 5,101 of 1,614,044 alleles (0.32%); highest among the groups gnomAD compares: African/African-American, 6%; 146 homozygotes.

Submissions (3):

Labcorp Genetics (formerly Invitae), Labcorp
Classification: Benign. Last evaluated: 2018-10-24. Review status: criteria provided, single submitter. Criteria: Invitae Variant Classification Sherloc (09022015). Collection method: clinical testing. Allele origin: germline.

Breakthrough Genomics
Classification: Benign. Review status: criteria provided, single submitter. Criteria: ACMG Guidelines, 2015. Collection method: not provided. Allele origin: germline. Inheritance: Unknown mechanism. Affected: yes.

PreventionGenetics, part of Exact Sciences
Classification: Benign for PTPRS-related condition. Last evaluated: 2019-03-26. Review status: no assertion criteria provided. Collection method: clinical testing. Allele origin: germline. Not counted in ClinVar's aggregate classification.
Comment: This variant is classified as benign based on ACMG/AMP sequence variant interpretation guidelines (Richards et al. 2015 PMID: 25741868, with internal and published modifications).